The following is an entry in ClinVar:

NM_033641.4(COL4A6):c.1762C>T (p.Leu588Phe)

Gene: COL4A6 (collagen type IV alpha 6 chain; minus strand). Cytogenetic location: Xq22.3.
Variant type: single nucleotide variant.
Coding change: c.1762C>T on transcript NM_033641.4 (MANE Select); coding-DNA position 1762, C replaced by T.
Protein change: p.Leu588Phe; replaces leucine 588 with phenylalanine.
Molecular consequence: missense variant.
Genome position (GRCh38, 1-based): chrX:108,187,853, G>A on the plus strand (C>T on the coding strand, the complement: COL4A6 is on the minus strand). VCF-style: chrX-108187853-G-A. GRCh37 (hg19) VCF-style: chrX-107431083-G-A.
Other names: c.1762C>T, p.Leu588Phe (NM_001287758.2, NM_001287759.2, NM_001287760.2); c.1765C>T, p.Leu589Phe (NM_001847.4); short protein forms L589F, L588F.
Identifiers: ClinVar variation 2738610 (VCV002738610.3), dbSNP rs1038582360, ClinGen allele CA334052035.

ClinVar aggregate classification (germline): Uncertain significance (1 of 4 stars; one submission).

gnomAD v4.1: 1 of 1,202,870 alleles (0.000083%); no homozygotes.

Submission:

Labcorp Genetics (formerly Invitae), Labcorp
Classification: Uncertain significance. Last evaluated: 2023-05-27. Review status: criteria provided, single submitter. Criteria: Invitae Variant Classification Sherloc (09022015). Collection method: clinical testing. Allele origin: germline.
Comment: This sequence change replaces leucine, which is neutral and non-polar, with phenylalanine, which is neutral and non-polar, at codon 589 of the COL4A6 protein (p.Leu589Phe). This variant is not present in population databases (gnomAD no frequency). Advanced modeling of protein sequence and biophysical properties (such as structural, functional, and spatial information, amino acid conservation, physicochemical variation, residue mobility, and thermodynamic stability) performed at Invitae indicates that this missense variant is not expected to disrupt COL4A6 protein function. This variant has not been reported in the literature in individuals affected with COL4A6-related conditions. In summary, the available evidence is currently insufficient to determine the role of this variant in disease. Therefore, it has been classified as a Variant of Uncertain Significance.